The following is an entry in ClinVar:

NM_000264.5(PTCH1):c.3606C>T (p.Pro1202=)

Gene: PTCH1 (patched 1; minus strand). Cytogenetic location: 9q22.32.
Variant type: single nucleotide variant.
Coding change: c.3606C>T on transcript NM_000264.5 (MANE Select); coding-DNA position 3606, C replaced by T.
Protein change: p.Pro1202=; no amino-acid change (proline 1202 retained).
Molecular consequence: synonymous variant. On other transcripts: non-coding transcript variant (1).
Genome position (GRCh38, 1-based): chr9:95,449,267, G>A on the plus strand (C>T on the coding strand, the complement: PTCH1 is on the minus strand). VCF-style: chr9-95449267-G-A. GRCh37 (hg19) VCF-style: chr9-98211549-G-A.
Other names: c.3408C>T, p.Pro1136= (NM_001083602.3); c.3603C>T, p.Pro1201= (NM_001083603.3); c.3153C>T, p.Pro1051= (NM_001083604.3, NM_001083605.3, NM_001083606.3 and 1 more transcripts); c.3450C>T, p.Pro1150= (NM_001354918.2).
Identifiers: ClinVar variation 221099 (VCV000221099.30), dbSNP rs138240178, ClinGen allele CA350027.
Genomic context (GRCh38, chr9:95,449,267, plus strand): 5'-GTCGGAGGAATCAGACCCGCTGTGCGTGTGGCCGGGCGGCATGGCGAAGCGGACCACGCT[G>A]GGGGGTGGCTCAGGGGAGGGTGTGGGCAGGCGGTTCAAGCCGTTGGCTGGAGACACCTAT-3'
Protein context (NP_000255.2, residues 1192-1212): RLPTPSPEPP[Pro1202=]SVVRFAMPPG

ClinVar aggregate classification (germline): Benign. Review status: criteria provided, multiple submitters, no conflicts (2 of 4 stars). 12 submissions from 11 submitters: Benign (11). 1 of the submissions does not count toward it. Last evaluated 2026-02-03.

Conditions:
Basal cell carcinoma, susceptibility to, 1. Also called: BCC1. Identifiers: MedGen C2751544, MONDO:0011556, OMIM 605462.
Basal cell nevus syndrome 1 (BCNS1). Also called: GORLIN-GOLTZ SYNDROME; MULTIPLE BASAL CELL NEVI, ODONTOGENIC KERATOCYSTS, AND SKELETAL ANOMALIES. Identifiers: MedGen CN376810, MONDO:0958174, OMIM 109400.
Holoprosencephaly 7 (HPE7). Identifiers: Orphanet 2162, MedGen C1835820, MONDO:0012562, OMIM 610828.
Hereditary cancer-predisposing syndrome. Also called: Tumor predisposition; Hereditary neoplastic syndrome; Neoplastic Syndromes, Hereditary; Hereditary Cancer Syndrome. Identifiers: Orphanet 140162, MedGen C0027672, MeSH D009386, MONDO:0015356.
Gorlin syndrome. Also called: Nevoid Basal Cell Carcinoma Syndrome; Basal cell nevus syndrome. Identifiers: Orphanet 377, MedGen C0004779, MONDO:0007187.
PTCH1-related disorder. Also called: PTCH1-related disorders; PTCH1-related condition.

Allele frequency attached by ClinVar (database versions not stated): gnomAD exomes 0.00258; ExAC 0.00586; 1000 Genomes Project 0.00819; 1000 Genomes Project 30x 0.00874; ESP Exome Variant Server 0.01083; gnomAD 0.01089; TOPMed 0.01222.
gnomAD v4.1: 3,019 of 1,564,340 alleles (0.19%); highest among the groups gnomAD compares: African/African-American, 3.7%; 61 homozygotes.

Submissions (12):

Labcorp Genetics (formerly Invitae), Labcorp
Classification: Benign for Gorlin syndrome. Last evaluated: 2026-02-03. Review status: criteria provided, single submitter. Criteria: Invitae Variant Classification Sherloc (09022015). Collection method: clinical testing. Allele origin: germline.

Quest Diagnostics Nichols Institute San Juan Capistrano
Classification: Benign. Last evaluated: 2025-07-08. Review status: criteria provided, single submitter. Criteria: Quest Diagnostics criteria. Collection method: clinical testing. Allele origin: unknown.

ARUP Laboratories, Molecular Genetics and Genomics, ARUP Laboratories
Classification: Benign. Last evaluated: 2023-11-29. Review status: criteria provided, single submitter. Criteria: ARUP Molecular Germline Variant Investigation Process 2024. Collection method: clinical testing. Allele origin: germline.

KCCC/NGS Laboratory, Kuwait Cancer Control Center
Classification: Benign for Basal cell nevus syndrome 1. Last evaluated: 2023-07-07. Review status: criteria provided, single submitter. Criteria: ACMG Guidelines, 2015. Collection method: clinical testing. Allele origin: germline. Affected: yes.

Department of Pathology and Laboratory Medicine, Sinai Health System
Classification: Benign for Basal cell nevus syndrome 1; Basal cell carcinoma, susceptibility to, 1; Holoprosencephaly 7. Last evaluated: 2021-10-26. Review status: criteria provided, single submitter. Criteria: ACMG Guidelines, 2015. Collection method: clinical testing. Allele origin: germline. Affected: yes.

Illumina Laboratory Services, Illumina
Classification: Benign for Basal cell nevus syndrome 1. Last evaluated: 2018-01-12. Review status: criteria provided, single submitter. Criteria: ICSL Variant Classification Criteria 13 December 2019. Collection method: clinical testing. Allele origin: germline.
Comment: This variant was observed in the ICSL laboratory as part of a predisposition screen in an ostensibly healthy population. It had not been previously curated by ICSL or reported in the Human Gene Mutation Database (HGMD: prior to June 1st, 2018), and was therefore a candidate for classification through an automated scoring system. Utilizing variant allele frequency, disease prevalence and penetrance estimates, and inheritance mode, an automated score was calculated to assess if this variant is too frequent to cause the disease. Based on the score and internal cut-off values, a variant classified as benign is not then subjected to further curation. The score for this variant resulted in a classification of benign for this disease.

Illumina Laboratory Services, Illumina
Classification: Benign for Holoprosencephaly 7. Last evaluated: 2018-01-12. Review status: criteria provided, single submitter. Criteria: ICSL Variant Classification Criteria 13 December 2019. Collection method: clinical testing. Allele origin: germline.
Comment: the same text as in the submission from Illumina Laboratory Services, Illumina above.

GeneDx
Classification: Benign. Last evaluated: 2017-11-28. Review status: criteria provided, single submitter. Criteria: GeneDx Variant Classification (06012015). Collection method: clinical testing. Allele origin: germline. Affected: yes.
Comment: This variant is considered likely benign or benign based on one or more of the following criteria: it is a conservative change, it occurs at a poorly conserved position in the protein, it is predicted to be benign by multiple in silico algorithms, and/or has population frequency not consistent with disease.

Ambry Genetics
Classification: Benign for Hereditary cancer-predisposing syndrome. Last evaluated: 2016-12-12. Review status: criteria provided, single submitter. Criteria: Ambry Variant Classification Scheme 2023. Collection method: clinical testing. Allele origin: germline.

Women's Health and Genetics/Laboratory Corporation of America, LabCorp
Classification: Benign. Last evaluated: 2016-08-30. Review status: criteria provided, single submitter. Criteria: LabCorp Variant Classification Summary - May 2015. Collection method: clinical testing. Allele origin: germline.
Comment: Variant summary: The PTCH1 c.3606C>T (p.Pro1202Pro) variant involves the alteration of a non-conserved nucleotide, resulting in a synonymous change. One in silico tool predicts a damaging outcome for this variant. 5/5 splice prediction tools predict no significant impact on normal splicing. However, these predictions have yet to be confirmed by functional studies. This variant was found in 157/26772 control chromosomes (3 homozygotes), predominantly observed in the African subpopulation at a frequency of 0.0475309 (154/3240). This frequency greatly exceeds the estimated maximal expected allele frequency of a pathogenic PTCH1 variant (0.0000171), indicating this is a benign polymorphism found primarily in the populations of African origin. In addition, one clinical diagnostic laboratory/reputable database has classified this variant as benign. The variant of interest has not, to our knowledge, been reported in affected individuals via publications and/or reputable databases/clinical diagnostic laboratories; nor evaluated for functional impact by in vivo/vitro studies. Taken together, this variant is classified as benign.

Breakthrough Genomics
Classification: Benign. Review status: criteria provided, single submitter. Criteria: ACMG Guidelines, 2015. Collection method: not provided. Allele origin: germline. Inheritance: Autosomal dominant inheritance. Affected: yes.

PreventionGenetics, part of Exact Sciences
Classification: Benign for PTCH1-related condition. Last evaluated: 2019-05-17. Review status: no assertion criteria provided. Collection method: clinical testing. Allele origin: germline. Not counted in ClinVar's aggregate classification.
Comment: This variant is classified as benign based on ACMG/AMP sequence variant interpretation guidelines (Richards et al. 2015 PMID: 25741868, with internal and published modifications).